The following is an entry in ClinVar:

ClinVar aggregate classification (germline): Likely benign (1 of 4 stars; one submission).

Allele frequency attached by ClinVar (database versions not stated): TOPMed 0.00001 and below 0.00001; gnomAD 0.00001; ExAC 0.00002; gnomAD exomes 0.00001.
gnomAD v4.1: 8 of 1,609,458 alleles (0.0005%); highest among the groups gnomAD compares: South Asian, 0.0044%; no homozygotes.

Submission:

GeneDx
Classification: Likely benign. Last evaluated: 2016-09-07. Review status: criteria provided, single submitter. Criteria: GeneDx Variant Classification (06012015). Collection method: clinical testing. Allele origin: germline. Affected: yes.
Comment: This variant is considered likely benign or benign based on one or more of the following criteria: it is a conservative change, it occurs at a poorly conserved position in the protein, it is predicted to be benign by multiple in silico algorithms, and/or has population frequency not consistent with disease.

NM_000340.2(SLC2A2):c.1038C>T (p.Gly346=)

Gene: SLC2A2 (solute carrier family 2 member 2; minus strand). Cytogenetic location: 3q26.2.
Variant type: single nucleotide variant.
Coding change: c.1038C>T on transcript NM_000340.2 (MANE Select); coding-DNA position 1038, C replaced by T.
Protein change: p.Gly346=; no amino-acid change (glycine 346 retained).
Molecular consequence: synonymous variant.
Genome position (GRCh38, 1-based): chr3:171,002,606, G>A on the plus strand (C>T on the coding strand, the complement: SLC2A2 is on the minus strand). VCF-style: chr3-171002606-G-A. GRCh37 (hg19) VCF-style: chr3-170720395-G-A.
Other names: c.681C>T, p.Gly227= (NM_001278658.2); c.519C>T, p.Gly173= (NM_001278659.2).
Identifiers: ClinVar variation 388886 (VCV000388886.1), dbSNP rs761337849, ClinGen allele CA2702515.